The following is an entry in ClinVar:

NM_018089.3(ANKZF1):c.1547C>T (p.Pro516Leu)

Gene: ANKZF1 (ankyrin repeat and zinc finger peptidyl tRNA hydrolase 1; plus strand). Cytogenetic location: 2q35.
Variant type: single nucleotide variant.
Coding change: c.1547C>T on transcript NM_018089.3 (MANE Select); coding-DNA position 1547, C replaced by T.
Protein change: p.Pro516Leu; replaces proline 516 with leucine.
Molecular consequence: missense variant.
Genome position (GRCh38, 1-based): chr2:219,235,168, C>T. VCF-style: chr2-219235168-C-T. GRCh37 (hg19) VCF-style: chr2-220099890-C-T.
Other names: c.1547C>T, p.Pro516Leu (NM_001042410.2); c.917C>T, p.Pro306Leu (NM_001282792.2); short protein forms P516L, P306L.
Identifiers: ClinVar variation 2824292 (VCV002824292.3), dbSNP rs1319151706, ClinGen allele CA350682220.

ClinVar aggregate classification (germline): Uncertain significance (1 of 4 stars; one submission).

Allele frequency attached by ClinVar (database versions not stated): gnomAD exomes below 0.00001.
gnomAD v4.1: 1 of 1,614,170 alleles (0.000062%); highest among the groups gnomAD compares: Admixed American, 0.0017%; no homozygotes.

Submission:

Labcorp Genetics (formerly Invitae), Labcorp
Classification: Uncertain significance. Last evaluated: 2022-12-26. Review status: criteria provided, single submitter. Criteria: Invitae Variant Classification Sherloc (09022015). Collection method: clinical testing. Allele origin: germline.
Comment: In summary, the available evidence is currently insufficient to determine the role of this variant in disease. Therefore, it has been classified as a Variant of Uncertain Significance. Algorithms developed to predict the effect of missense changes on protein structure and function (SIFT, PolyPhen-2, Align-GVGD) all suggest that this variant is likely to be tolerated. This variant has not been reported in the literature in individuals affected with ANKZF1-related conditions. This variant is present in population databases (no rsID available, gnomAD 0.003%). This sequence change replaces proline, which is neutral and non-polar, with leucine, which is neutral and non-polar, at codon 516 of the ANKZF1 protein (p.Pro516Leu).